The following is an entry in ClinVar:

ClinVar aggregate classification (germline): Uncertain significance (1 of 4 stars; one submission).

Conditions:
Short-rib thoracic dysplasia 8 with or without polydactyly (SRTD8). Also called: SHORT-RIB THORACIC DYSPLASIA 8 WITH POLYDACTYLY. Identifiers: Orphanet 93271, MedGen C3809691, MONDO:0014214, OMIM 615503.

Allele frequency attached by ClinVar (database versions not stated): gnomAD exomes 0.00001; TOPMed 0.00001.
gnomAD v4.1: 3 of 1,583,600 alleles (0.00019%); highest among the groups gnomAD compares: Admixed American, 0.0054%; no homozygotes.

Submission:

Labcorp Genetics (formerly Invitae), Labcorp
Classification: Uncertain significance for Short-rib thoracic dysplasia 8 with or without polydactyly. Last evaluated: 2022-05-21. Review status: criteria provided, single submitter. Criteria: Invitae Variant Classification Sherloc (09022015). Collection method: clinical testing. Allele origin: germline.
Comment: This sequence change creates a premature translational stop signal (p.Trp1059*) in the WDR60 gene. While this is not anticipated to result in nonsense mediated decay, it is expected to disrupt the last 8 amino acid(s) of the WDR60 protein. The frequency data for this variant in the population databases is considered unreliable, as metrics indicate poor data quality at this position in the gnomAD database. This variant has not been reported in the literature in individuals affected with WDR60-related conditions. Experimental studies and prediction algorithms are not available or were not evaluated, and the functional significance of this variant is currently unknown. In summary, the available evidence is currently insufficient to determine the role of this variant in disease. Therefore, it has been classified as a Variant of Uncertain Significance.

NM_018051.5(DYNC2I1):c.3177G>A (p.Trp1059Ter)

Gene: DYNC2I1 (dynein 2 intermediate chain 1; plus strand). Cytogenetic location: 7q36.3.
Variant type: single nucleotide variant.
Coding change: c.3177G>A on transcript NM_018051.5 (MANE Select); coding-DNA position 3177, G replaced by A.
Protein change: p.Trp1059Ter; replaces tryptophan 1059 with a stop codon.
Molecular consequence: nonsense.
Genome position (GRCh38, 1-based): chr7:158,945,755, G>A. VCF-style: chr7-158945755-G-A. GRCh37 (hg19) VCF-style: chr7-158738446-G-A.
Other names: c.3039G>A, p.Trp1013Ter (NM_001350914.2); c.2604G>A, p.Trp868Ter (NM_001350915.2); c.1716G>A, p.Trp572Ter (NM_001350916.2); c.1929G>A, p.Trp643Ter (NM_001350917.2, NM_001350918.2); short protein forms W868*, W572*, W1059*, W1013*, W643*.
Identifiers: ClinVar variation 2201696 (VCV002201696.1), dbSNP rs1424242289, ClinGen allele CA370193336.